The following is an entry in ClinVar:

ClinVar aggregate classification (germline): Uncertain significance (1 of 4 stars; one submission).

gnomAD v4.1: 6 of 1,613,082 alleles (0.00037%); highest among the groups gnomAD compares: South Asian, 0.0022%; no homozygotes.

Submission:

Labcorp Genetics (formerly Invitae), Labcorp
Classification: Uncertain significance. Last evaluated: 2025-08-18. Review status: criteria provided, single submitter. Criteria: Invitae Variant Classification Sherloc (09022015). Collection method: clinical testing. Allele origin: germline.
Comment: This sequence change replaces serine, which is neutral and polar, with leucine, which is neutral and non-polar, at codon 7 of the SLC7A14 protein (p.Ser7Leu). The frequency data for this variant in the population databases is considered unreliable, as metrics indicate poor data quality at this position in the gnomAD database. This variant has not been reported in the literature in individuals affected with SLC7A14-related conditions. An algorithm developed to predict the effect of missense changes on protein structure and function (PolyPhen-2) suggests that this variant is likely to be tolerated. In summary, the available evidence is currently insufficient to determine the role of this variant in disease. Therefore, it has been classified as a Variant of Uncertain Significance.

NM_020949.3(SLC7A14):c.20C>T (p.Ser7Leu)

Genes: SLC7A14 (solute carrier family 7 member 14; minus strand), SLC7A14-AS1 (SLC7A14 antisense RNA 1; plus strand). Cytogenetic location: 3q26.2.
Variant type: single nucleotide variant.
Coding change: c.20C>T on transcript NM_020949.3 (MANE Select); coding-DNA position 20, C replaced by T.
Protein change: p.Ser7Leu; replaces serine 7 with leucine.
Molecular consequence: missense variant.
Genome position (GRCh38, 1-based): chr3:170,526,917, G>A on the plus strand (C>T on the coding strand, the complement: SLC7A14 is on the minus strand). VCF-style: chr3-170526917-G-A. GRCh37 (hg19) VCF-style: chr3-170244706-G-A.
Other names: short protein forms S7L.
Identifiers: ClinVar variation 4771850 (VCV004771850.1).